The following is an entry in ClinVar:

ClinVar aggregate classification (germline): Pathogenic (1 of 4 stars; one submission).

Submission:

Labcorp Genetics (formerly Invitae), Labcorp
Classification: Pathogenic. Last evaluated: 2021-12-24. Review status: criteria provided, single submitter. Criteria: Invitae Variant Classification Sherloc (09022015). Collection method: clinical testing. Allele origin: germline.
Comment: This sequence change creates a premature translational stop signal (p.Ala383Leufs*17) in the KMT2A gene. It is expected to result in an absent or disrupted protein product. Loss-of-function variants in KMT2A are known to be pathogenic (PMID: 22795537, 25810209, 29574747). This variant is not present in population databases (gnomAD no frequency). This variant has not been reported in the literature in individuals affected with KMT2A-related conditions. For these reasons, this variant has been classified as Pathogenic.

Literature cited by the submitters: PubMed 22795537; PubMed 25810209; PubMed 29574747.

NM_001197104.2(KMT2A):c.1147del (p.Ala383fs)

Gene: KMT2A (lysine methyltransferase 2A; plus strand). Cytogenetic location: 11q23.3.
Variant type: Deletion.
Coding change: c.1147del on transcript NM_001197104.2 (MANE Select); coding-DNA position 1147, one base deleted (G; older notation c.1147delG).
Protein change: p.Ala383fs; shifts the reading frame from alanine 383.
Molecular consequence: frameshift variant.
Genome position (GRCh38, 1-based): chr11:118,472,306, G deleted; the last of 5 consecutive G bases (chr11:118,472,302-118,472,306); deleting any one gives the same sequence. VCF-style (leftmost placement, unchanged base first): chr11-118472301-AG-A. GRCh37 (hg19) VCF-style: chr11-118343016-AG-A.
Other names: c.1246delG, p.Ala416Leufs (NM_001412597.1); c.1147del, p.Ala383fs (NM_005933.4); short protein forms A383fs.
Identifiers: ClinVar variation 2058742 (VCV002058742.4), dbSNP rs2496796479, ClinGen allele CA2580083583.